The following is an entry in ClinVar:

ClinVar aggregate classification (germline): Uncertain significance (1 of 4 stars; one submission).

Conditions:
Hereditary cancer-predisposing syndrome. Also called: Neoplastic Syndromes, Hereditary; Tumor predisposition; Hereditary Cancer Syndrome; Hereditary neoplastic syndrome. Identifiers: Orphanet 140162, MedGen C0027672, MeSH D009386, MONDO:0015356.

Submission:

Ambry Genetics
Classification: Uncertain significance for Hereditary cancer-predisposing syndrome. Last evaluated: 2021-06-28. Review status: criteria provided, single submitter. Criteria: Ambry Variant Classification Scheme 2023. Collection method: clinical testing. Allele origin: germline.
Comment: The p.L478S variant (also known as c.1433T>C), located in coding exon 12 of the MRE11A gene, results from a T to C substitution at nucleotide position 1433. The leucine at codon 478 is replaced by serine, an amino acid with dissimilar properties. This amino acid position is conserved. In addition, this alteration is predicted to be deleterious by in silico analysis. Since supporting evidence is limited at this time, the clinical significance of this alteration remains unclear.

NM_005591.4(MRE11):c.1433T>C (p.Leu478Ser)

Gene: MRE11 (MRE11 double strand break repair nuclease; minus strand). Cytogenetic location: 11q21.
Variant type: single nucleotide variant.
Coding change: c.1433T>C on transcript NM_005591.4 (MANE Select); coding-DNA position 1433, T replaced by C.
Protein change: p.Leu478Ser; replaces leucine 478 with serine.
Molecular consequence: missense variant.
Genome position (GRCh38, 1-based): chr11:94,459,475, A>G on the plus strand (T>C on the coding strand, the complement: MRE11 is on the minus strand). VCF-style: chr11-94459475-A-G. GRCh37 (hg19) VCF-style: chr11-94192641-A-G.
Other names: c.1433T>C, p.Leu478Ser (NM_001330347.2, NM_005590.4); short protein forms L478S.
Identifiers: ClinVar variation 1799912 (VCV001799912.2), dbSNP rs2496385445, ClinGen allele CA382371822.